The following is an entry in ClinVar:

NM_177438.3(DICER1):c.3199G>T (p.Ala1067Ser)

Gene: DICER1 (dicer 1, ribonuclease III; minus strand). Cytogenetic location: 14q32.13.
Variant type: single nucleotide variant.
Coding change: c.3199G>T on transcript NM_177438.3 (MANE Select); coding-DNA position 3199, G replaced by T.
Protein change: p.Ala1067Ser; replaces alanine 1067 with serine.
Molecular consequence: missense variant. On other transcripts: non-coding transcript variant (6).
Genome position (GRCh38, 1-based): chr14:95,105,141, C>A on the plus strand (G>T on the coding strand, the complement: DICER1 is on the minus strand). VCF-style: chr14-95105141-C-A. GRCh37 (hg19) VCF-style: chr14-95571478-C-A.
Other names: c.3199G>T, p.Ala1067Ser (NM_001195573.1, NM_001271282.3, NM_001291628.2 and 13 more transcripts); c.2917G>T, p.Ala973Ser (NM_001395686.1); c.2794G>T, p.Ala932Ser (NM_001395687.1, NM_001395688.1, NM_001395689.1 and 2 more transcripts); c.2632G>T, p.Ala878Ser (NM_001395691.1); c.1516G>T, p.Ala506Ser (NM_001395697.1); short protein forms A506S, A932S, A1067S, A973S, A878S.
Identifiers: ClinVar variation 1958923 (VCV001958923.5), dbSNP rs1385079711, ClinGen allele CA390876546.

ClinVar aggregate classification (germline): Uncertain significance (1 of 4 stars; one submission).

Conditions:
DICER1-related tumor predisposition. Also called: DICER1-related pleuropulmonary blastoma cancer predisposition syndrome; DICER1 syndrome. Identifiers: Orphanet 284343, MedGen C3839822, MONDO:0100216.

Submission:

Labcorp Genetics (formerly Invitae), Labcorp
Classification: Uncertain significance for DICER1-related tumor predisposition. Last evaluated: 2022-10-13. Review status: criteria provided, single submitter. Criteria: Invitae Variant Classification Sherloc (09022015). Collection method: clinical testing. Allele origin: germline.
Comment: In summary, the available evidence is currently insufficient to determine the role of this variant in disease. Therefore, it has been classified as a Variant of Uncertain Significance. Advanced modeling of protein sequence and biophysical properties (such as structural, functional, and spatial information, amino acid conservation, physicochemical variation, residue mobility, and thermodynamic stability) performed at Invitae indicates that this missense variant is expected to disrupt DICER1 protein function. This variant has not been reported in the literature in individuals affected with DICER1-related conditions. This variant is not present in population databases (gnomAD no frequency). This sequence change replaces alanine, which is neutral and non-polar, with serine, which is neutral and polar, at codon 1067 of the DICER1 protein (p.Ala1067Ser).